The following is an entry in ClinVar:

NM_001127511.3(APC):c.-66A>T

Gene: APC (APC regulator of Wnt signaling pathway; plus strand). Cytogenetic location: 5q22.2.
Variant type: single nucleotide variant.
Coding change: c.-66A>T on transcript NM_001127511.3; 66 bases upstream of the start codon, A replaced by T.
Molecular consequence: 5 prime UTR variant. On other transcripts: non-coding transcript variant (1), intron variant (5).
Genome position (GRCh38, 1-based): chr5:112,707,652, A>T. VCF-style: chr5-112707652-A-T. GRCh37 (hg19) VCF-style: chr5-112043349-A-T.
Other names: c.-249A>T (NM_001354895.2, NM_001407447.1, NM_001407452.1 and 3 more transcripts); c.-66A>T (NM_001354897.2, NM_001354902.2, NM_001407446.1); c.-1284A>T (NM_001407470.1, NM_001407472.1); c.-19+3A>T (NM_001407448.1, NM_001407450.1, NM_001407457.1 and 1 more transcripts); c.-43+3A>T (NM_001407453.1).
Identifiers: ClinVar variation 4803455 (VCV004803455.1).

ClinVar aggregate classification (germline): Uncertain significance (1 of 4 stars; one submission).

Conditions:
Familial adenomatous polyposis 1 (FAP1). Also called: POLYPOSIS, ADENOMATOUS INTESTINAL; FAMILIAL ADENOMATOUS POLYPOSIS 1, ATTENUATED. Identifiers: MedGen C2713442, MONDO:0021056, OMIM 175100. Disease mechanism: loss of function.

gnomAD v4.1: 1 of 1,357,950 alleles (0.000074%); highest among the groups gnomAD compares: Non-Finnish European, 0.000097%; no homozygotes.

Submission:

Labcorp Genetics (formerly Invitae), Labcorp
Classification: Uncertain significance for Familial adenomatous polyposis 1. Last evaluated: 2025-02-17. Review status: criteria provided, single submitter. Criteria: Invitae Variant Classification Sherloc (09022015). Collection method: clinical testing. Allele origin: germline.
Comment: This variant occurs in a non-coding region of the APC gene. It does not change the encoded amino acid sequence of the APC protein. This variant is not present in population databases (gnomAD no frequency). This variant has not been reported in the literature in individuals affected with APC-related conditions. Experimental studies and prediction algorithms are not available or were not evaluated, and the functional significance of this variant is currently unknown. Experimental studies and prediction algorithms are not available or were not evaluated, and the effect of this variant on mRNA splicing is currently unknown. In summary, the available evidence is currently insufficient to determine the role of this variant in disease. Therefore, it has been classified as a Variant of Uncertain Significance.